The following is an entry in ClinVar:

NM_001371986.1(UNC80):c.8596G>A (p.Val2866Met)

Gene: UNC80 (unc-80 subunit of NALCN channel complex; plus strand). Cytogenetic location: 2q34.
Variant type: single nucleotide variant.
Coding change: c.8596G>A on transcript NM_001371986.1 (MANE Select); coding-DNA position 8596, G replaced by A.
Protein change: p.Val2866Met; replaces valine 2866 with methionine.
Molecular consequence: missense variant.
Genome position (GRCh38, 1-based): chr2:209,976,127, G>A. VCF-style: chr2-209976127-G-A. GRCh37 (hg19) VCF-style: chr2-210840851-G-A.
Other names: c.8398G>A, p.Val2800Met (NM_032504.2); c.8383G>A, p.Val2795Met (NM_182587.4); c.8398G>A (NM_032504.1); short protein forms V2795M, V2800M, V2866M.
Identifiers: ClinVar variation 2191390 (VCV002191390.6), dbSNP rs1254006731, ClinGen allele CA350413587.
Genomic context (GRCh38, chr2:209,976,127, plus strand): 5'-TCCTCGGAAGCACACGTCCGCAGGCTCATTTTTCTCTTTTCCCGGTGTGAAGCGCTGAAG[G>A]TGATTCTCGTCTGCTTTGAGAGGCAGCTCGGAAGCCAGTGGTACTGGCTGAGCCTCCAGG-3'
Protein context (NP_001358915.1, residues 2856-2876): TSQAAYLALK[Val2866Met]ILVCFERQLG

ClinVar aggregate classification (germline): Uncertain significance. Review status: criteria provided, multiple submitters, no conflicts (2 of 4 stars). 2 submissions from 2 submitters: Uncertain significance (2). Last evaluated 2026-10-08.

Allele frequency attached by ClinVar (database versions not stated): gnomAD exomes below 0.00001; TOPMed below 0.00001; gnomAD 0.00001.
gnomAD v4.1: 3 of 1,550,982 alleles (0.00019%); highest among the groups gnomAD compares: African/African-American, 0.0027%; no homozygotes.

Submissions (2):

GeneDx
Classification: Uncertain significance. Last evaluated: 2026-10-08. Review status: criteria provided, single submitter. Criteria: GeneDx Variant Classification Process June 2021. Collection method: clinical testing. Allele origin: germline.
Comment: Not observed at significant frequency in large population cohorts (gnomAD); In silico analysis suggests that this missense variant does not alter protein structure/function; Has not been previously published as pathogenic or benign to our knowledge

Labcorp Genetics (formerly Invitae), Labcorp
Classification: Uncertain significance. Last evaluated: 2021-12-25. Review status: criteria provided, single submitter. Criteria: Invitae Variant Classification Sherloc (09022015). Collection method: clinical testing. Allele origin: germline.
Comment: This sequence change replaces valine, which is neutral and non-polar, with methionine, which is neutral and non-polar, at codon 2800 of the UNC80 protein (p.Val2800Met). This variant is not present in population databases (gnomAD no frequency). This variant has not been reported in the literature in individuals affected with UNC80-related conditions. Algorithms developed to predict the effect of missense changes on protein structure and function are either unavailable or do not agree on the potential impact of this missense change (SIFT: "Not Available"; PolyPhen-2: "Probably Damaging"; Align-GVGD: "Not Available"). In summary, the available evidence is currently insufficient to determine the role of this variant in disease. Therefore, it has been classified as a Variant of Uncertain Significance.